The following is an entry in ClinVar:

NM_004415.4(DSP):c.3721A>G (p.Arg1241Gly)

Gene: DSP (desmoplakin; plus strand). Cytogenetic location: 6p24.3.
Variant type: single nucleotide variant.
Coding change: c.3721A>G on transcript NM_004415.4 (MANE Select); coding-DNA position 3721, A replaced by G.
Protein change: p.Arg1241Gly; replaces arginine 1241 with glycine.
Molecular consequence: missense variant. On other transcripts: intron variant (1).
Genome position (GRCh38, 1-based): chr6:7,579,911, A>G. VCF-style: chr6-7579911-A-G. GRCh37 (hg19) VCF-style: chr6-7580144-A-G.
Other names: c.3721A>G, p.Arg1241Gly (NM_001319034.2); c.3582+139A>G (NM_001008844.3); short protein forms R1241G.
Identifiers: ClinVar variation 4791832 (VCV004791832.1).

ClinVar aggregate classification (germline): Uncertain significance (1 of 4 stars; one submission).

Conditions:
Arrhythmogenic cardiomyopathy with wooly hair and keratoderma. Also called: PALMOPLANTAR KERATODERMA WITH LEFT VENTRICULAR CARDIOMYOPATHY AND WOOLLY HAIR; Carvajal syndrome; Dilated cardiomyopathy with woolly hair and keratoderma; Arrhythmogenic cardiomyopathy with woolly hair and keratoderma. Identifiers: Orphanet 65282, MedGen C1854063, MONDO:0011581, OMIM 605676.
Arrhythmogenic right ventricular dysplasia 8 (ARVD8). Also called: Arrhythmogenic Right Ventricular Dysplasia/Cardiomyopathy 8; ARRHYTHMOGENIC RIGHT VENTRICULAR DYSPLASIA, FAMILIAL, 8; ARRHYTHMOGENIC RIGHT VENTRICULAR CARDIOMYOPATHY 8. Identifiers: MedGen C1843896, MONDO:0011831, OMIM 607450.

Submission:

Labcorp Genetics (formerly Invitae), Labcorp
Classification: Uncertain significance for Arrhythmogenic cardiomyopathy with wooly hair and keratoderma; Arrhythmogenic right ventricular dysplasia 8. Last evaluated: 2025-05-26. Review status: criteria provided, single submitter. Criteria: Invitae Variant Classification Sherloc (09022015). Collection method: clinical testing. Allele origin: germline.
Comment: This sequence change replaces arginine, which is basic and polar, with glycine, which is neutral and non-polar, at codon 1241 of the DSP protein (p.Arg1241Gly). This variant is not present in population databases (gnomAD no frequency). This variant has not been reported in the literature in individuals affected with DSP-related conditions. An algorithm developed to predict the effect of missense changes on protein structure and function (PolyPhen-2) suggests that this variant is likely to be tolerated. In summary, the available evidence is currently insufficient to determine the role of this variant in disease. Therefore, it has been classified as a Variant of Uncertain Significance.